The following is an entry in ClinVar:

NM_014423.4(AFF4):c.3432A>T (p.Leu1144=)

Gene: AFF4 (ALF transcription elongation factor 4; minus strand). Cytogenetic location: 5q31.1.
Variant type: single nucleotide variant.
Coding change: c.3432A>T on transcript NM_014423.4 (MANE Select); coding-DNA position 3432, A replaced by T.
Protein change: p.Leu1144=; no amino-acid change (leucine 1144 retained).
Molecular consequence: synonymous variant.
Genome position (GRCh38, 1-based): chr5:132,881,119, T>A on the plus strand (A>T on the coding strand, the complement: AFF4 is on the minus strand). VCF-style: chr5-132881119-T-A. GRCh37 (hg19) VCF-style: chr5-132216811-T-A.
Other names: c.3432A>T (NM_014423.3).
Identifiers: ClinVar variation 2073528 (VCV002073528.6), dbSNP rs147739240, ClinGen allele CA3408672.

ClinVar aggregate classification (germline): Likely benign. Review status: criteria provided, single submitter (1 of 4 stars). 2 submissions from 2 submitters: Likely benign (1). 1 of the submissions does not count toward it. Last evaluated 2025-12-10.

Conditions:
Cognitive impairment - coarse facies - heart defects - obesity - pulmonary involvement - short stature - skeletal dysplasia syndrome. Also called: Chops syndrome; AFF4-Related CHOPS Syndrome; COGNITIVE IMPAIRMENT, COARSE FACIES, HEART DEFECTS, OBESITY, PULMONARY INVOLVEMENT, SHORT STATURE, AND SKELETAL DYSPLASIA. Identifiers: Orphanet 444077, MedGen C4085597, MONDO:0014609, OMIM 616368.
AFF4-related disorder. Also called: AFF4-related condition.

Allele frequency attached by ClinVar (database versions not stated): gnomAD exomes 0.00002; ExAC 0.00006; TOPMed 0.00015; gnomAD 0.00017; ESP Exome Variant Server 0.00023; 1000 Genomes Project 0.00080; 1000 Genomes Project 30x 0.00094.
gnomAD v4.1: 47 of 1,614,240 alleles (0.0029%); highest among the groups gnomAD compares: African/African-American, 0.06%; no homozygotes.

Submissions (2):

Labcorp Genetics (formerly Invitae), Labcorp
Classification: Likely benign for Cognitive impairment - coarse facies - heart defects - obesity - pulmonary involvement - short stature - skeletal dysplasia syndrome. Last evaluated: 2025-12-10. Review status: criteria provided, single submitter. Criteria: Invitae Variant Classification Sherloc (09022015). Collection method: clinical testing. Allele origin: germline.

PreventionGenetics, part of Exact Sciences
Classification: Likely benign for AFF4-related condition. Last evaluated: 2021-09-17. Review status: no assertion criteria provided. Collection method: clinical testing. Allele origin: germline. Not counted in ClinVar's aggregate classification.
Comment: This variant is classified as likely benign based on ACMG/AMP sequence variant interpretation guidelines (Richards et al. 2015 PMID: 25741868, with internal and published modifications).